The following is an entry in ClinVar:

NM_014714.4(IFT140):c.*403G>A

Gene: IFT140 (intraflagellar transport 140; minus strand). Cytogenetic location: 16p13.3.
Variant type: single nucleotide variant.
Coding change: c.*403G>A on transcript NM_014714.4 (MANE Select); 403 bases downstream of the stop codon, G replaced by A.
Molecular consequence: 3 prime UTR variant.
Genome position (GRCh38, 1-based): chr16:1,510,541, C>T on the plus strand (G>A on the coding strand, the complement: IFT140 is on the minus strand). VCF-style: chr16-1510541-C-T. GRCh37 (hg19) VCF-style: chr16-1560542-C-T.
Identifiers: ClinVar variation 884451 (VCV000884451.4), dbSNP rs143732634, ClinGen allele CA276667894.

ClinVar aggregate classification (germline): Likely benign (1 of 4 stars; one submission).

Conditions:
Saldino-Mainzer syndrome (SRTD9). Also called: SHORT-RIB THORACIC DYSPLASIA 9 WITHOUT POLYDACTYLY; Renal dysplasia, retinal pigmentary dystrophy, cerebellar ataxia and skeletal dysplasia; short-rib thoracic dysplasia 9 with or without polydactyly; CONORENAL SYNDROME. Identifiers: Orphanet 140969, MedGen C1849437, MONDO:0009964, OMIM 266920.

Allele frequency attached by ClinVar (database versions not stated): gnomAD exomes 0.00026; gnomAD 0.00078 and 0.00079; TOPMed 0.00116; 1000 Genomes Project 30x 0.00265; 1000 Genomes Project 0.00300.
gnomAD v4.1: 150 of 267,502 alleles (0.056%); highest among the groups gnomAD compares: East Asian, 0.54%; no homozygotes.

Submission:

Illumina Laboratory Services, Illumina
Classification: Likely benign for Saldino-Mainzer syndrome. Last evaluated: 2018-01-13. Review status: criteria provided, single submitter. Criteria: ICSL Variant Classification Criteria 13 December 2019. Collection method: clinical testing. Allele origin: germline.
Comment: This variant was observed in the ICSL laboratory as part of a predisposition screen in an ostensibly healthy population. It had not been previously curated by ICSL or reported in the Human Gene Mutation Database (HGMD: prior to June 1st, 2018), and was therefore a candidate for classification through an automated scoring system. Utilizing variant allele frequency, disease prevalence and penetrance estimates, and inheritance mode, an automated score was calculated to assess if this variant is too frequent to cause the disease. Based on the score and internal cut-off values, a variant classified as likely benign is not then subjected to further curation. The score for this variant resulted in a classification of likely benign for this disease.